The following is an entry in ClinVar:

NM_005732.4(RAD50):c.3373T>A (p.Tyr1125Asn)

Gene: RAD50 (RAD50 double strand break repair protein; plus strand). Cytogenetic location: 5q31.1.
Variant type: single nucleotide variant.
Coding change: c.3373T>A on transcript NM_005732.4 (MANE Select); coding-DNA position 3373, T replaced by A.
Protein change: p.Tyr1125Asn; replaces tyrosine 1125 with asparagine.
Molecular consequence: missense variant.
Genome position (GRCh38, 1-based): chr5:132,618,278, T>A. VCF-style: chr5-132618278-T-A. GRCh37 (hg19) VCF-style: chr5-131953970-T-A.
Other names: short protein forms Y1125N.
Identifiers: ClinVar variation 233791 (VCV000233791.5), dbSNP rs876660640, ClinGen allele CA10578600.

ClinVar aggregate classification (germline): Uncertain significance (1 of 4 stars; one submission).

Conditions:
Hereditary cancer-predisposing syndrome. Also called: Neoplastic Syndromes, Hereditary; Tumor predisposition; Hereditary Cancer Syndrome; Hereditary neoplastic syndrome. Identifiers: Orphanet 140162, MedGen C0027672, MeSH D009386, MONDO:0015356.

Submission:

Ambry Genetics
Classification: Uncertain significance for Hereditary cancer-predisposing syndrome. Last evaluated: 2015-09-09. Review status: criteria provided, single submitter. Criteria: Ambry Variant Classification Scheme 2023. Collection method: clinical testing. Allele origin: germline.
Comment: The p.Y1125N variant (also known as c.3373T>A), located in coding exon 21 of the RAD50 gene, results from a T to A substitution at nucleotide position 3373. The tyrosine at codon 1125 is replaced by asparagine, an amino acid with dissimilar properties. This variant was not reported in population based cohorts in the following databases: Database of Single Nucleotide Polymorphisms (dbSNP), NHLBI Exome Sequencing Project (ESP), and 1000 Genomes Project. In the ESP, this variant was not observed in 6466 samples (12932 alleles) with coverage at this position. To date, this alteration has been detected with an allele frequency of approximately 0.002% (greater than 65000 alleles tested) in our clinical cohort. This amino acid position is highly conserved in available vertebrate species. In addition, this alteration is predicted to be deleterious by in silico analysis. Since supporting evidence is limited at this time, the clinical significance of p.Y1125N remains unclear.